The following is an entry in ClinVar:

ClinVar aggregate classification (germline): Uncertain significance (1 of 4 stars; one submission).

Conditions:
ANKRD1-related dilated cardiomyopathy. Identifiers: MedGen CN119551.

Submission:

Labcorp Genetics (formerly Invitae), Labcorp
Classification: Uncertain significance for ANKRD1-related dilated cardiomyopathy. Last evaluated: 2021-02-21. Review status: criteria provided, single submitter. Criteria: Invitae Variant Classification Sherloc (09022015). Collection method: clinical testing. Allele origin: germline.
Comment: Algorithms developed to predict the effect of missense changes on protein structure and function output the following: SIFT: "Tolerated"; PolyPhen-2: "Benign"; Align-GVGD: "Class C0". The lysine amino acid residue is found in multiple mammalian species, suggesting that this missense change does not adversely affect protein function. These predictions have not been confirmed by published functional studies and their clinical significance is uncertain. This variant has not been reported in the literature in individuals with ANKRD1-related conditions. This variant is not present in population databases (ExAC no frequency). This sequence change replaces asparagine with lysine at codon 144 of the ANKRD1 protein (p.Asn144Lys). The asparagine residue is moderately conserved and there is a moderate physicochemical difference between asparagine and lysine. In summary, the available evidence is currently insufficient to determine the role of this variant in disease. Therefore, it has been classified as a Variant of Uncertain Significance.

NM_014391.3(ANKRD1):c.432C>A (p.Asn144Lys)

Gene: ANKRD1 (ankyrin repeat domain 1; minus strand). Cytogenetic location: 10q23.31.
Variant type: single nucleotide variant.
Coding change: c.432C>A on transcript NM_014391.3 (MANE Select); coding-DNA position 432, C replaced by A.
Protein change: p.Asn144Lys; replaces asparagine 144 with lysine.
Molecular consequence: missense variant.
Genome position (GRCh38, 1-based): chr10:90,918,886, G>T on the plus strand (C>A on the coding strand, the complement: ANKRD1 is on the minus strand). VCF-style: chr10-90918886-G-T. GRCh37 (hg19) VCF-style: chr10-92678643-G-T.
Other names: short protein forms N144K.
Identifiers: ClinVar variation 1374894 (VCV001374894.8), dbSNP rs2120270838, ClinGen allele CA377552099.